The following is an entry in ClinVar:

NM_001184.4(ATR):c.7504-17A>T

Gene: ATR (ATR checkpoint kinase; minus strand). Cytogenetic location: 3q23.
Variant type: single nucleotide variant.
Coding change: c.7504-17A>T on transcript NM_001184.4 (MANE Select); 17 bases into the intron before coding-DNA position 7504, A replaced by T.
Molecular consequence: intron variant.
Genome position (GRCh38, 1-based): chr3:142,457,772, T>A on the plus strand (A>T on the coding strand, the complement: ATR is on the minus strand). VCF-style: chr3-142457772-T-A. GRCh37 (hg19) VCF-style: chr3-142176614-T-A.
Other names: c.7312-17A>T (NM_001354579.2).
Identifiers: ClinVar variation 1553265 (VCV001553265.32), dbSNP rs565264162, ClinGen allele CA2649110.

ClinVar aggregate classification (germline): Benign/Likely benign. Review status: criteria provided, multiple submitters, no conflicts (2 of 4 stars). 3 submissions from 3 submitters: Benign (1); Likely benign (2). Last evaluated 2025-10-25.

Allele frequency attached by ClinVar (database versions not stated): gnomAD 0.00001 and 0.00024; TOPMed 0.00006; gnomAD exomes 0.00038 and 0.00080; 1000 Genomes Project 30x 0.00078; 1000 Genomes Project 0.00080; ExAC 0.00083.
gnomAD v4.1: 591 of 1,612,452 alleles (0.037%); highest among the groups gnomAD compares: South Asian, 0.6%; 4 homozygotes.

Submissions (3):

Labcorp Genetics (formerly Invitae), Labcorp
Classification: Benign. Last evaluated: 2025-10-25. Review status: criteria provided, single submitter. Criteria: Invitae Variant Classification Sherloc (09022015). Collection method: clinical testing. Allele origin: germline.

Blueprint Genetics
Classification: Likely benign. Last evaluated: 2024-07-29. Review status: criteria provided, single submitter. Criteria: ACMG Guidelines, 2015. Collection method: clinical testing. Allele origin: germline.

CeGaT Center for Human Genetics Tuebingen
Classification: Likely benign. Last evaluated: 2022-10-01. Review status: criteria provided, single submitter. Criteria: CeGaT Center For Human Genetics Tuebingen Variant Classification Criteria Version 2. Collection method: clinical testing. Allele origin: germline. Affected: yes. Observed: 1 variant allele.
Comment: ATR: BS1